The following is an entry in ClinVar:

NM_001145358.2(SIN3A):c.2947C>T (p.Leu983=)

Gene: SIN3A (SIN3 transcription regulator family member A; minus strand). Cytogenetic location: 15q24.2.
Variant type: single nucleotide variant.
Coding change: c.2947C>T on transcript NM_001145358.2 (MANE Select); coding-DNA position 2947, C replaced by T.
Protein change: p.Leu983=; no amino-acid change (leucine 983 retained).
Molecular consequence: synonymous variant.
Genome position (GRCh38, 1-based): chr15:75,389,726, G>A on the plus strand (C>T on the coding strand, the complement: SIN3A is on the minus strand). VCF-style: chr15-75389726-G-A. GRCh37 (hg19) VCF-style: chr15-75682067-G-A.
Other names: c.2947C>T, p.Leu983= (NM_001145357.2, NM_015477.3).
Identifiers: ClinVar variation 2672594 (VCV002672594.23), dbSNP rs1381418666, ClinGen allele CA491282898.

ClinVar aggregate classification (germline): Likely benign (1 of 4 stars; one submission).

Allele frequency attached by ClinVar (database versions not stated): gnomAD 0.00001; gnomAD exomes 0.00001; TOPMed 0.00001.
gnomAD v4.1: 6 of 1,613,960 alleles (0.00037%); highest among the groups gnomAD compares: Non-Finnish European, 0.00051%; no homozygotes.

Submission:

CeGaT Center for Human Genetics Tuebingen
Classification: Likely benign. Last evaluated: 2023-11-01. Review status: criteria provided, single submitter. Criteria: CeGaT Center For Human Genetics Tuebingen Variant Classification Criteria Version 2. Collection method: clinical testing. Allele origin: germline. Affected: yes. Observed: 1 variant allele.
Comment: SIN3A: BP4, BP7